The following is an entry in ClinVar:

ClinVar aggregate classification (germline): Benign (0 of 4 stars; one submission).

Conditions:
FAT3-related disorder. Also called: FAT3-related condition.

Allele frequency attached by ClinVar (database versions not stated): ESP Exome Variant Server 0.00033; gnomAD exomes 0.00088; gnomAD 0.00154; TOPMed 0.00266; ExAC 0.00283; 1000 Genomes Project 30x 0.00375; 1000 Genomes Project 0.00379.
gnomAD v4.1: 1,536 of 1,613,926 alleles (0.095%); highest among the groups gnomAD compares: Admixed American, 1.6%; 17 homozygotes.

Submission:

PreventionGenetics, part of Exact Sciences
Classification: Benign for FAT3-related condition. Last evaluated: 2019-11-26. Review status: no assertion criteria provided. Collection method: clinical testing. Allele origin: germline.
Comment: This variant is classified as benign based on ACMG/AMP sequence variant interpretation guidelines (Richards et al. 2015 PMID: 25741868, with internal and published modifications).

NM_001367949.2(FAT3):c.10124A>G (p.Gln3375Arg)

Gene: FAT3 (FAT atypical cadherin 3; plus strand). Cytogenetic location: 11q14.3.
Variant type: single nucleotide variant.
Coding change: c.10124A>G on transcript NM_001367949.2 (MANE Select); coding-DNA position 10124, A replaced by G.
Protein change: p.Gln3375Arg; replaces glutamine 3375 with arginine.
Molecular consequence: missense variant.
Genome position (GRCh38, 1-based): chr11:92,836,603, A>G. VCF-style: chr11-92836603-A-G. GRCh37 (hg19) VCF-style: chr11-92569769-A-G.
Other names: c.10124A>G, p.Gln3375Arg (NM_001008781.3); short protein forms Q3375R.
Identifiers: ClinVar variation 3033933 (VCV003033933.2), dbSNP rs76958954, ClinGen allele CA6228006.